The following is an entry in ClinVar:

ClinVar aggregate classification (germline): Likely pathogenic. Review status: criteria provided, multiple submitters, no conflicts (2 of 4 stars). 2 submissions from 2 submitters: Likely pathogenic (2). Last evaluated 2024-02-27.

Conditions:
Nephrotic syndrome. Identifiers: MedGen C0027726, MONDO:0005377, HP:0000100.
Pierson syndrome. Also called: MICROCORIA-CONGENITAL NEPHROTIC SYNDROME. Identifiers: Orphanet 2670, MedGen C1836876, MONDO:0012184, OMIM 609049.

Allele frequency attached by ClinVar (database versions not stated): TOPMed below 0.00001.

Submissions (2):

Laboratory for Molecular Medicine, Mass General Brigham Personalized Medicine
Classification: Likely pathogenic for Pierson syndrome. Last evaluated: 2024-02-27. Review status: criteria provided, single submitter. Criteria: ACMG Guidelines, 2015. Collection method: clinical testing. Allele origin: germline.
Comment: The p.Gln1313X variant in LAMB2 has not been previously reported in individuals with Pierson syndrome but has been reported by other clinical laboratories in ClinVar (Variation ID 1210227). This variant was absent from large population studies (gnomAD v3.1.2). This nonsense variant leads to a premature termination codon at position 1313, which is predicted to lead to a truncated or absent protein. Biallelic loss of function of the LAMB2 gene is an established disease mechanism in autosomal recessive Pierson disease. In summary, although additional studies are required to fully establish its clinical significance, this variant meets criteria to be classified as likely pathogenic for autosomal recessive Pierson disease. ACMG/AMP Criteria applied: PVS1, PM2_Supporting.

UNC Molecular Genetics  Laboratory, University of North Carolina at Chapel Hill
Classification: Likely pathogenic for Nephrotic syndrome. Last evaluated: 2021-04-02. Review status: criteria provided, single submitter. Criteria: ACMG Guidelines, 2015. Collection method: clinical testing. Allele origin: germline. Affected: yes. Observed: 1 compound heterozygote.

NM_002292.4(LAMB2):c.3937C>T (p.Gln1313Ter)

Gene: LAMB2 (laminin subunit beta 2; minus strand). Cytogenetic location: 3p21.31.
Variant type: single nucleotide variant.
Coding change: c.3937C>T on transcript NM_002292.4 (MANE Select); coding-DNA position 3937, C replaced by T.
Protein change: p.Gln1313Ter; replaces glutamine 1313 with a stop codon.
Molecular consequence: nonsense.
Genome position (GRCh38, 1-based): chr3:49,123,492, G>A on the plus strand (C>T on the coding strand, the complement: LAMB2 is on the minus strand). VCF-style: chr3-49123492-G-A. GRCh37 (hg19) VCF-style: chr3-49160925-G-A.
Other names: short protein forms Q1313*.
Identifiers: ClinVar variation 1210227 (VCV001210227.2), dbSNP rs2045374191, ClinGen allele CA352698840.
Genomic context (GRCh38, chr3:49,123,492, plus strand): 5'-TGGCTAACAACTCACCCAGGAAGTTTGAATGTTTGAGCAAGTCAAGATGCTGGTCGAGCT[G>A]CCGCAGTGTGAGATTAAGTGCAAGCCTATCTCGCTCCAGACCACTTAGTGCATGGTTGGC-3'